The following is an entry in ClinVar:

NM_002506.3(NGF):c.53C>T (p.Ala18Val)

Genes: NGF (nerve growth factor; minus strand), NGF-AS1 (NGF antisense RNA 1; plus strand). Cytogenetic location: 1p13.2.
Variant type: single nucleotide variant.
Coding change: c.53C>T on transcript NM_002506.3 (MANE Select); coding-DNA position 53, C replaced by T.
Protein change: p.Ala18Val; replaces alanine 18 with valine.
Molecular consequence: missense variant.
Genome position (GRCh38, 1-based): chr1:115,286,743, G>A on the plus strand (C>T on the coding strand, the complement: NGF is on the minus strand). VCF-style: chr1-115286743-G-A. GRCh37 (hg19) VCF-style: chr1-115829364-G-A.
Other names: short protein forms A18V.
Identifiers: ClinVar variation 526746 (VCV000526746.30), dbSNP rs754287903, ClinGen allele CA1023076.

ClinVar aggregate classification (germline): Uncertain significance. Review status: criteria provided, multiple submitters, no conflicts (2 of 4 stars). 6 submissions from 6 submitters: Uncertain significance (6). Last evaluated 2025-09-14.

Conditions:
Inborn genetic diseases. Identifiers: MedGen C0950123, MeSH D030342.
Congenital sensory neuropathy with selective loss of small myelinated fibers (HSAN5). Also called: HSAN Type V. Identifiers: Orphanet 64752, MedGen C0020075, MONDO:0012092, OMIM 608654.
NGF-related disorder. Also called: NGF-related condition.

Allele frequency attached by ClinVar (database versions not stated): gnomAD 0.00002; gnomAD exomes 0.00002 and 0.00004; TOPMed 0.00002; ExAC 0.00004.
gnomAD v4.1: 67 of 1,614,020 alleles (0.0042%); highest among the groups gnomAD compares: Middle Eastern, 0.016%; no homozygotes.

Submissions (6):

PreventionGenetics, part of Exact Sciences
Classification: Uncertain significance for NGF-related condition. Last evaluated: 2025-09-14. Review status: criteria provided, single submitter. Criteria: ACMG Guidelines, 2015. Collection method: clinical testing. Allele origin: germline.
Comment: The NGF c.53C>T variant is predicted to result in the amino acid substitution p.Ala18Val. To our knowledge, this variant has not been reported in the literature. This variant is reported in 0.0054% of alleles in individuals of East Asian descent in gnomAD. At this time, the clinical significance of this variant is uncertain due to the absence of conclusive functional and genetic evidence.

Women's Health and Genetics/Laboratory Corporation of America, LabCorp
Classification: Uncertain significance. Last evaluated: 2025-09-08. Review status: criteria provided, single submitter. Criteria: LabCorp Variant Classification Summary - May 2015. Collection method: clinical testing. Allele origin: germline.
Comment: Variant summary: NGF c.53C>T (p.Ala18Val) results in a non-conservative amino acid change in the encoded protein sequence. Algorithms developed to predict the effect of missense changes on protein structure and function are either unavailable or do not agree on the potential impact of this missense change. The variant allele was found at a frequency of 2.4e-05 in 251478 control chromosomes. The available data on variant occurrences in the general population are insufficient to allow any conclusion about variant significance. To our knowledge, no occurrence of c.53C>T in individuals affected with NGF-related conditions and no experimental evidence demonstrating its impact on protein function have been reported. ClinVar contains an entry for this variant (Variation ID: 526746). Based on the evidence outlined above, the variant was classified as uncertain significance.

CeGaT Center for Human Genetics Tuebingen
Classification: Uncertain significance. Last evaluated: 2024-05-01. Review status: criteria provided, single submitter. Criteria: CeGaT Center For Human Genetics Tuebingen Variant Classification Criteria Version 2. Collection method: clinical testing. Allele origin: germline. Affected: yes. Observed: 1 variant allele.
Comment: NGF: PM2

Ambry Genetics
Classification: Uncertain significance for Inborn genetic diseases. Last evaluated: 2023-07-18. Review status: criteria provided, single submitter. Criteria: Ambry Variant Classification Scheme 2023. Collection method: clinical testing. Allele origin: germline.

Genome-Nilou Lab
Classification: Uncertain significance for Congenital sensory neuropathy with selective loss of small myelinated fibers. Last evaluated: 2023-04-11. Review status: criteria provided, single submitter. Criteria: ACMG Guidelines, 2015. Collection method: clinical testing. Allele origin: germline. Affected: no.

Labcorp Genetics (formerly Invitae), Labcorp
Classification: Uncertain significance for Congenital sensory neuropathy with selective loss of small myelinated fibers. Last evaluated: 2022-03-24. Review status: criteria provided, single submitter. Criteria: Invitae Variant Classification Sherloc (09022015). Collection method: clinical testing. Allele origin: germline.
Comment: This sequence change replaces alanine, which is neutral and non-polar, with valine, which is neutral and non-polar, at codon 18 of the NGF protein (p.Ala18Val). This variant is present in population databases (rs754287903, gnomAD 0.006%). This variant has not been reported in the literature in individuals affected with NGF-related conditions. ClinVar contains an entry for this variant (Variation ID: 526746). Algorithms developed to predict the effect of missense changes on protein structure and function (SIFT, PolyPhen-2, Align-GVGD) all suggest that this variant is likely to be disruptive. Algorithms developed to predict the effect of sequence changes on RNA splicing suggest that this variant may create or strengthen a splice site. In summary, the available evidence is currently insufficient to determine the role of this variant in disease. Therefore, it has been classified as a Variant of Uncertain Significance.